The following is an entry in ClinVar:

NM_130837.3(OPA1):c.421T>C (p.Trp141Arg)

Gene: OPA1 (OPA1 mitochondrial dynamin like GTPase; plus strand). Cytogenetic location: 3q29.
Variant type: single nucleotide variant.
Coding change: c.421T>C on transcript NM_130837.3 (MANE Select); coding-DNA position 421, T replaced by C.
Protein change: p.Trp141Arg; replaces tryptophan 141 with arginine.
Molecular consequence: missense variant.
Genome position (GRCh38, 1-based): chr3:193,615,743, T>C. VCF-style: chr3-193615743-T-C. GRCh37 (hg19) VCF-style: chr3-193333532-T-C.
Other names: c.421T>C, p.Trp141Arg (NM_130832.3, NM_130833.3, NM_130834.3 and 4 more transcripts); c.49T>C, p.Trp17Arg (NM_001354663.2, NM_001354664.2); short protein forms W141R, W17R.
Identifiers: ClinVar variation 3687956 (VCV003687956.2).

ClinVar aggregate classification (germline): Uncertain significance (1 of 4 stars; one submission).

Submission:

Labcorp Genetics (formerly Invitae), Labcorp
Classification: Uncertain significance. Last evaluated: 2024-07-21. Review status: criteria provided, single submitter. Criteria: Invitae Variant Classification Sherloc (09022015). Collection method: clinical testing. Allele origin: germline.
Comment: This sequence change replaces tryptophan, which is neutral and slightly polar, with arginine, which is basic and polar, at codon 141 of the OPA1 protein (p.Trp141Arg). This variant is not present in population databases (gnomAD no frequency). This variant has not been reported in the literature in individuals affected with OPA1-related conditions. Advanced modeling of protein sequence and biophysical properties (such as structural, functional, and spatial information, amino acid conservation, physicochemical variation, residue mobility, and thermodynamic stability) performed at Invitae indicates that this missense variant is not expected to disrupt OPA1 protein function with a negative predictive value of 80%. In summary, the available evidence is currently insufficient to determine the role of this variant in disease. Therefore, it has been classified as a Variant of Uncertain Significance.